The following is an entry in ClinVar:

ClinVar aggregate classification (germline): Conflicting classifications of pathogenicity. Review status: criteria provided, conflicting classifications (1 of 4 stars). 2 submissions from 2 submitters: Uncertain significance (1); Likely benign (1). Last evaluated 2023-10-13.

Conditions:
Hereditary cancer-predisposing syndrome. Also called: Hereditary neoplastic syndrome; Hereditary Cancer Syndrome; Neoplastic Syndromes, Hereditary; Tumor predisposition. Identifiers: Orphanet 140162, MedGen C0027672, MeSH D009386, MONDO:0015356.

gnomAD v4.1: 1 of 1,587,842 alleles (0.000063%); highest among the groups gnomAD compares: African/African-American, 0.0013%; no homozygotes.

Submissions (2):

Labcorp Genetics (formerly Invitae), Labcorp
Classification: Likely benign for Hereditary cancer-predisposing syndrome. Last evaluated: 2023-10-13. Review status: criteria provided, single submitter. Criteria: Invitae Variant Classification Sherloc (09022015). Collection method: clinical testing. Allele origin: germline.

Ambry Genetics
Classification: Uncertain significance for Hereditary cancer-predisposing syndrome. Last evaluated: 2019-10-29. Review status: criteria provided, single submitter. Criteria: Ambry Variant Classification Scheme 2023. Collection method: clinical testing. Allele origin: germline.
Comment: The c.214-5C>G intronic variant results from a C to G substitution 5 nucleotides upstream from coding exon 3 in the RAD50 gene. This nucleotide position is well conserved in available vertebrate species. Using two different splice site prediction tools, this alteration is predicted by ESEfinder to weaken the efficacy of the native acceptor splice site, but is not predicted to have a deleterious effect on this acceptor splice site by BDGP; however, direct evidence is unavailable. Since supporting evidence is limited at this time, the clinical significance of this alteration remains unclear.

NM_005732.4(RAD50):c.214-5C>G

Gene: RAD50 (RAD50 double strand break repair protein; plus strand). Cytogenetic location: 5q31.1.
Variant type: single nucleotide variant.
Coding change: c.214-5C>G on transcript NM_005732.4 (MANE Select); 5 bases into the intron before coding-DNA position 214, C replaced by G.
Molecular consequence: intron variant.
Genome position (GRCh38, 1-based): chr5:132,575,772, C>G. VCF-style: chr5-132575772-C-G. GRCh37 (hg19) VCF-style: chr5-131911464-C-G.
Identifiers: ClinVar variation 229731 (VCV000229731.17), dbSNP rs534966725, ClinGen allele CA10578479.
Genomic context (GRCh38, chr5:132,575,772, plus strand): 5'-TTTCTCAGAACCAACACTGGTGCTTATTAAAGTAACATAAGTTTTTTCTGTGTTTTCCTT[C>G]AAAGGTTGCTCAAGAAACAGATGTGAGAGCCCAGATTCGTCTGCAATTTCGTGATGTCAA-3'